The following is an entry in ClinVar:

ClinVar aggregate classification (germline): Uncertain significance. Review status: criteria provided, multiple submitters, no conflicts (2 of 4 stars). 3 submissions from 3 submitters: Uncertain significance (2). 1 of the submissions does not count toward it. Last evaluated 2025-07-28.

Conditions:
Retinitis pigmentosa 25 (RP25). Identifiers: Orphanet 791, MedGen C1864446, MONDO:0011272, OMIM 602772.
Inborn genetic diseases. Identifiers: MedGen C0950123, MeSH D030342.

Allele frequency attached by ClinVar (database versions not stated): ExAC 0.00005; gnomAD exomes 0.00005; TOPMed 0.00018.
gnomAD v4.1: 31 of 1,549,218 alleles (0.002%); highest among the groups gnomAD compares: African/African-American, 0.036%; no homozygotes.

Submissions (3):

Labcorp Genetics (formerly Invitae), Labcorp
Classification: Uncertain significance. Last evaluated: 2025-07-28. Review status: criteria provided, single submitter. Criteria: Invitae Variant Classification Sherloc (09022015). Collection method: clinical testing. Allele origin: germline.
Comment: This sequence change replaces asparagine, which is neutral and polar, with histidine, which is basic and polar, at codon 1004 of the EYS protein (p.Asn1004His). This variant is present in population databases (rs781222768, gnomAD 0.04%). This variant has not been reported in the literature in individuals affected with EYS-related conditions. ClinVar contains an entry for this variant (Variation ID: 855787). Invitae Evidence Modeling of protein sequence and biophysical properties (such as structural, functional, and spatial information, amino acid conservation, physicochemical variation, residue mobility, and thermodynamic stability) indicates that this missense variant is not expected to disrupt EYS protein function with a negative predictive value of 80%. In summary, the available evidence is currently insufficient to determine the role of this variant in disease. Therefore, it has been classified as a Variant of Uncertain Significance.

Ambry Genetics
Classification: Uncertain significance for Inborn genetic diseases. Last evaluated: 2021-09-16. Review status: criteria provided, single submitter. Criteria: Ambry Variant Classification Scheme 2023. Collection method: clinical testing. Allele origin: germline.

Natera, Inc.
Classification: Uncertain significance for Retinitis pigmentosa type 25. Last evaluated: 2021-04-16. Review status: no assertion criteria provided. Collection method: clinical testing. Allele origin: germline. Not counted in ClinVar's aggregate classification.

NM_001142800.2(EYS):c.3010A>C (p.Asn1004His)

Gene: EYS (EGF-like photoreceptor maintenance factor; minus strand). Cytogenetic location: 6q12.
Variant type: single nucleotide variant.
Coding change: c.3010A>C on transcript NM_001142800.2 (MANE Select); coding-DNA position 3010, A replaced by C.
Protein change: p.Asn1004His; replaces asparagine 1004 with histidine.
Molecular consequence: missense variant.
Genome position (GRCh38, 1-based): chr6:64,822,805, T>G on the plus strand (A>C on the coding strand, the complement: EYS is on the minus strand). VCF-style: chr6-64822805-T-G. GRCh37 (hg19) VCF-style: chr6-65532698-T-G.
Other names: c.3010A>C, p.Asn1004His (NM_001292009.2); short protein forms N1004H.
Identifiers: ClinVar variation 855787 (VCV000855787.6), dbSNP rs781222768, ClinGen allele CA3877225.